The following is an entry in ClinVar:

NM_017934.7(PHIP):c.1688G>A (p.Arg563Gln)

Gene: PHIP (PHIP subunit of CUL4-Ring ligase complex; minus strand). Cytogenetic location: 6q14.1.
Variant type: single nucleotide variant.
Coding change: c.1688G>A on transcript NM_017934.7 (MANE Select); coding-DNA position 1688, G replaced by A.
Protein change: p.Arg563Gln; replaces arginine 563 with glutamine.
Molecular consequence: missense variant.
Genome position (GRCh38, 1-based): chr6:79,002,090, C>T on the plus strand (G>A on the coding strand, the complement: PHIP is on the minus strand). VCF-style: chr6-79002090-C-T. GRCh37 (hg19) VCF-style: chr6-79711807-C-T.
Other names: short protein forms R563Q.
Identifiers: ClinVar variation 2116023 (VCV002116023.1), dbSNP rs1562169664, ClinGen allele CA364632079.

ClinVar aggregate classification (germline): Uncertain significance (1 of 4 stars; one submission).

Allele frequency attached by ClinVar (database versions not stated): gnomAD exomes below 0.00001.
gnomAD v4.1: 4 of 1,612,014 alleles (0.00025%); highest among the groups gnomAD compares: Non-Finnish European, 0.00025%; no homozygotes.

Submission:

Labcorp Genetics (formerly Invitae), Labcorp
Classification: Uncertain significance. Last evaluated: 2022-09-05. Review status: criteria provided, single submitter. Criteria: Invitae Variant Classification Sherloc (09022015). Collection method: clinical testing. Allele origin: germline.
Comment: This sequence change replaces arginine, which is basic and polar, with glutamine, which is neutral and polar, at codon 563 of the PHIP protein (p.Arg563Gln). This variant is not present in population databases (gnomAD no frequency). This variant has not been reported in the literature in individuals affected with PHIP-related conditions. Experimental studies and prediction algorithms are not available or were not evaluated, and the functional significance of this variant is currently unknown. In summary, the available evidence is currently insufficient to determine the role of this variant in disease. Therefore, it has been classified as a Variant of Uncertain Significance.